The following is an entry in ClinVar:

NM_207111.4(RNF216):c.2467C>T (p.Arg823Cys)

Gene: RNF216 (ring finger protein 216; minus strand). Cytogenetic location: 7p22.1.
Variant type: single nucleotide variant.
Coding change: c.2467C>T on transcript NM_207111.4 (MANE Select); coding-DNA position 2467, C replaced by T.
Protein change: p.Arg823Cys; replaces arginine 823 with cysteine.
Molecular consequence: missense variant.
Genome position (GRCh38, 1-based): chr7:5,623,165, G>A on the plus strand (C>T on the coding strand, the complement: RNF216 is on the minus strand). VCF-style: chr7-5623165-G-A. GRCh37 (hg19) VCF-style: chr7-5662796-G-A.
Other names: c.2296C>T, p.Arg766Cys (NM_001377156.1, NM_207116.3); short protein forms R766C, R823C.
Identifiers: ClinVar variation 1303223 (VCV001303223.2), dbSNP rs771498706, ClinGen allele CA4147786.
Genomic context (GRCh38, chr7:5,623,165, plus strand): 5'-TCGGGAGGGCCTCCACCCTCTGCACCTTCTCCACAGGCTTCTCCAGCGGGGGTCCAATGC[G>A]TTTGAAGGTGTTCTCTGAAAGGGATGTGGGGATTAGTGGAGAAAAACATTAAACCAACCT-3'
Protein context (NP_996994.1, residues 813-833): KRKNGENTFK[Arg823Cys]IGPPLEKPVE

ClinVar aggregate classification (germline): Uncertain significance (1 of 4 stars; one submission).

Allele frequency attached by ClinVar (database versions not stated): gnomAD exomes below 0.00001.
gnomAD v4.1: 5 of 1,556,888 alleles (0.00032%); highest among the groups gnomAD compares: East Asian, 0.0023%; no homozygotes.

Submission:

GeneDx
Classification: Uncertain significance. Last evaluated: 2019-11-18. Review status: criteria provided, single submitter. Criteria: GeneDx Variant Classification Process June 2021. Collection method: clinical testing. Allele origin: germline. Affected: yes.
Comment: In silico analysis, which includes protein predictors and evolutionary conservation, supports a deleterious effect; Has not been previously published as pathogenic or benign to our knowledge